The following is an entry in ClinVar:

NM_058216.3(RAD51C):c.498del (p.Asp167fs)

Gene: RAD51C (RAD51 paralog C; plus strand). Cytogenetic location: 17q22.
Variant type: Deletion.
Coding change: c.498del on transcript NM_058216.3 (MANE Select); coding-DNA position 498, one base deleted (T; older notation c.498delT).
Protein change: p.Asp167fs; shifts the reading frame from aspartic acid 167.
Molecular consequence: frameshift variant.
Genome position (GRCh38, 1-based): chr17:58,696,786, T deleted; the last of 2 consecutive T bases (chr17:58,696,785-58,696,786); deleting either gives the same sequence. VCF-style (leftmost placement, unchanged base first): chr17-58696784-GT-G. GRCh37 (hg19) VCF-style: chr17-56774145-GT-G.
Other names: c.498del (LRG_314t1); c.498delT (NM_058216.3, NM_058216.2); short protein forms D167fs.
Identifiers: ClinVar variation 480949 (VCV000480949.24), dbSNP rs746993675, ClinGen allele CA8677248.

ClinVar aggregate classification (germline): Pathogenic. Review status: criteria provided, multiple submitters, no conflicts (2 of 4 stars). 8 submissions from 8 submitters: Pathogenic (8). Last evaluated 2025-03-04.

Conditions:
Familial ovarian cancer. Identifiers: MedGen C5679802, MONDO:0016248.
Fanconi anemia complementation group O. Also called: RAD51C-Related Fanconi Anemia. Identifiers: Orphanet 84, MedGen C3150653, MONDO:0013248, OMIM 613390.
RAD51C-related cancer predisposition. Identifiers: MedGen CN377762, MONDO:0700273.
Hereditary cancer-predisposing syndrome. Also called: Hereditary neoplastic syndrome; Neoplastic Syndromes, Hereditary; Tumor predisposition; Hereditary Cancer Syndrome. Identifiers: Orphanet 140162, MedGen C0027672, MeSH D009386, MONDO:0015356.
Breast-ovarian cancer, familial, susceptibility to, 3. Also called: RAD51C-Related Breast/Ovarian Cancer. Identifiers: Orphanet 145, MedGen C3150659, MONDO:0013253, OMIM 613399.

Submissions (8):

Center for Genomic Medicine, Rigshospitalet, Copenhagen University Hospital
Classification: Pathogenic. Last evaluated: 2025-03-04. Review status: criteria provided, single submitter. Criteria: ACMG Guidelines, 2015. Collection method: clinical testing. Allele origin: germline.

Labcorp Genetics (formerly Invitae), Labcorp
Classification: Pathogenic for Fanconi anemia complementation group O. Last evaluated: 2025-02-25. Review status: criteria provided, single submitter. Criteria: Invitae Variant Classification Sherloc (09022015). Collection method: clinical testing. Allele origin: germline.
Comment: This sequence change creates a premature translational stop signal (p.Asp167Ilefs*4) in the RAD51C gene. It is expected to result in an absent or disrupted protein product. Loss-of-function variants in RAD51C are known to be pathogenic (PMID: 20400964, 21990120, 24800917, 29278735). This variant is present in population databases (rs746993675, gnomAD 0.0009%). This premature translational stop signal has been observed in individual(s) with RAD51C-related conditions (PMID: 26261251, 26740214). ClinVar contains an entry for this variant (Variation ID: 480949). Algorithms developed to predict the effect of sequence changes on RNA splicing suggest that this variant may disrupt the consensus splice site. For these reasons, this variant has been classified as Pathogenic.

Department of Clinical Genetics, Copenhagen University Hospital, Rigshospitalet
Classification: Pathogenic for Hereditary cancer-predisposing syndrome. Last evaluated: 2025-02-04. Review status: criteria provided, single submitter. Criteria: ACMG Guidelines, 2015. Collection method: clinical testing. Allele origin: germline.
Comment: PVS1; PM2_SUP; PS4_SUP

Institute for Genomic Medicine (IGM) Clinical Laboratory, Nationwide Children's Hospital
Classification: Pathogenic for RAD51C-related cancer predisposition. Last evaluated: 2024-11-26. Review status: criteria provided, single submitter. Criteria: ACMG Guidelines, 2015. Collection method: clinical testing. Allele origin: germline.
Comment: This variant is predicted to result in loss of function through nonsense-mediated decay of the encoded transcript or premature truncation of the encoded protein in a gene in which loss of function is a known mechanism of disease (ACMG/AMP: PVS1; PMIDs:20400964, 21990120). This variant has been reported at an elevated frequency in affected individuals/in multiple affected individuals in the literature (ACMG/AMP: PS4; PMIDs:26261251, 26740214). This variant is absent from or present at an exceedingly low frequency in gnomAD, a large-scale control population database (ACMG/AMP: PM2). This variant has been shown to segregate with disease in multiple affected family members (ACMG/AMP: PP1_Moderate; PMID:26740214).

Molecular Pathology, Peter Maccallum Cancer Centre
Classification: Pathogenic for Familial ovarian cancer. Last evaluated: 2024-08-12. Review status: criteria provided, single submitter. Criteria: ACMG Guidelines, 2015. Collection method: clinical testing. Allele origin: germline. Inheritance: Autosomal dominant inheritance.

Myriad Genetics, Inc.
Classification: Pathogenic for Breast-ovarian cancer, familial, susceptibility to, 3. Last evaluated: 2024-01-02. Review status: criteria provided, single submitter. Criteria: Myriad Autosomal Dominant, Autosomal Recessive and X-Linked Classification Criteria (2023). Collection method: clinical testing. Allele origin: unknown.
Comment: This variant is considered pathogenic. This variant creates a frameshift predicted to result in premature protein truncation.

Ambry Genetics
Classification: Pathogenic for Hereditary cancer-predisposing syndrome. Last evaluated: 2023-01-31. Review status: criteria provided, single submitter. Criteria: Ambry Variant Classification Scheme 2023. Collection method: clinical testing. Allele origin: germline.
Comment: The c.498delT pathogenic mutation, located in coding exon 3 of the RAD51C gene, results from a deletion of one nucleotide at nucleotide position 498, causing a translational frameshift with a predicted alternate stop codon (p.D167Ifs*4). In another study, this alteration was identified in two unrelated Danish female breast cancer patients (J&oslash;nson L et al. Breast Cancer Res. Treat., 2016 Jan;155:215-22). This variant is considered to be rare based on population cohorts in the Genome Aggregation Database (gnomAD). In addition to the clinical data presented in the literature, this alteration is expected to result in loss of function by premature protein truncation or nonsense-mediated mRNA decay. As such, this alteration is interpreted as a disease-causing mutation.

Color Diagnostics, LLC DBA Color Health
Classification: Pathogenic for Hereditary cancer-predisposing syndrome. Last evaluated: 2021-04-26. Review status: criteria provided, single submitter. Criteria: ACMG Guidelines, 2015. Collection method: clinical testing. Allele origin: germline.
Comment: This variant deletes 1 nucleotide in exon 3 of the RAD51C gene, creating a frameshift and premature translation stop signal. This variant is expected to result in an absent or non-functional protein product. This variant has been reported in individuals affected with breast cancer and ovarian cancer (PMID: 26261251, 26740214). This variant has been identified in 1/251466 chromosomes in the general population by the Genome Aggregation Database (gnomAD). Loss of RAD51C function is a known mechanism of disease. Based on the available evidence, this variant is classified as Pathogenic.

Literature cited by the submitters: PubMed 26740214 (cited by 5 submitters); PubMed 26261251 (cited by 4 submitters); PubMed 20400964 (cited by Labcorp Genetics (formerly Invitae), Labcorp and Institute for Genomic Medicine (IGM) Clinical Laboratory, Nationwide Children's Hospital); PubMed 21990120 (cited by Labcorp Genetics (formerly Invitae), Labcorp and Institute for Genomic Medicine (IGM) Clinical Laboratory, Nationwide Children's Hospital); PubMed 24800917 (cited by Labcorp Genetics (formerly Invitae), Labcorp); PubMed 29278735 (cited by Labcorp Genetics (formerly Invitae), Labcorp).